The following is an entry in ClinVar:

ClinVar aggregate classification (germline): Likely benign. Review status: criteria provided, multiple submitters, no conflicts (2 of 4 stars). 5 submissions from 5 submitters: Likely benign (5). Last evaluated 2025-11-14.

Conditions:
Cardiomyopathy (CMYO). Also called: Cardiomyopathies. Identifiers: Orphanet 167848, MedGen C0878544, MONDO:0004994, HP:0001638. Inheritance: Various modes of inheritance.
Cardiovascular phenotype. Identifiers: MedGen CN230736.
Catecholaminergic polymorphic ventricular tachycardia 1. Also called: RYR2-Related Catecholaminergic Polymorphic Ventricular Tachycardia; VENTRICULAR TACHYCARDIA, STRESS-INDUCED POLYMORPHIC 1; VENTRICULAR TACHYCARDIA, CATECHOLAMINERGIC POLYMORPHIC, 1, WITH OR WITHOUT ATRIAL DYSFUNCTION AND/OR DILATED CARDIOMYOPATHY. Identifiers: Orphanet 3286, MedGen C1631597, MONDO:0011484, OMIM 604772.
Catecholaminergic polymorphic ventricular tachycardia (CVPT). Also called: Catecholamine-induced polymorphic ventricular tachycardia. Identifiers: Orphanet 3286, MedGen C5574922, MONDO:0017990.

Allele frequency attached by ClinVar (database versions not stated): ExAC 0.00001; gnomAD exomes 0.00003; gnomAD 0.00004 and 0.00003; TOPMed 0.00005.
gnomAD v4.1: 42 of 1,613,892 alleles (0.0026%); highest among the groups gnomAD compares: Admixed American, 0.01%; no homozygotes.

Submissions (5):

Labcorp Genetics (formerly Invitae), Labcorp
Classification: Likely benign for Catecholaminergic polymorphic ventricular tachycardia 1. Last evaluated: 2025-11-14. Review status: criteria provided, single submitter. Criteria: Invitae Variant Classification Sherloc (09022015). Collection method: clinical testing. Allele origin: germline.

CeGaT Center for Human Genetics Tuebingen
Classification: Likely benign. Last evaluated: 2025-08-01. Review status: criteria provided, single submitter. Criteria: CeGaT Center For Human Genetics Tuebingen Variant Classification Criteria Version 2. Collection method: clinical testing. Allele origin: germline. Affected: yes. Observed: 2 variant alleles.
Comment: RYR2: BP4, BP7

All of Us Research Program, National Institutes of Health
Classification: Likely benign for Catecholaminergic polymorphic ventricular tachycardia. Last evaluated: 2023-12-01. Review status: criteria provided, single submitter. Criteria: ACMG Guidelines, 2015. Collection method: clinical testing. Allele origin: germline. Inheritance: Autosomal dominant inheritance. Observed: 4 variant alleles, 4 heterozygotes.
Comment: This study involves interpretation of variants in research participants for the purpose of population health screening. Participant phenotype was not available at the time of variant classification. Additional details can be found in publication PMID: 35346344, PMCID: PMC8962531

Ambry Genetics
Classification: Likely benign for Cardiovascular phenotype. Last evaluated: 2021-07-22. Review status: criteria provided, single submitter. Criteria: Ambry Variant Classification Scheme 2023. Collection method: clinical testing. Allele origin: germline.

Color Diagnostics, LLC DBA Color Health
Classification: Likely benign for Cardiomyopathy. Last evaluated: 2019-01-11. Review status: criteria provided, single submitter. Criteria: ACMG Guidelines, 2015. Collection method: clinical testing. Allele origin: germline.

NM_001035.3(RYR2):c.5508C>T (p.Asn1836=)

Gene: RYR2 (ryanodine receptor 2; plus strand). Cytogenetic location: 1q43.
Variant type: single nucleotide variant.
Coding change: c.5508C>T on transcript NM_001035.3 (MANE Select); coding-DNA position 5508, C replaced by T.
Protein change: p.Asn1836=; no amino-acid change (asparagine 1836 retained).
Molecular consequence: synonymous variant.
Genome position (GRCh38, 1-based): chr1:237,614,636, C>T. VCF-style: chr1-237614636-C-T. GRCh37 (hg19) VCF-style: chr1-237777936-C-T.
Other names: c.5508C>T, p.Asn1836= (LRG_402t1).
Identifiers: ClinVar variation 532400 (VCV000532400.48), dbSNP rs777640285, ClinGen allele CA086895.
Genomic context (GRCh38, chr1:237,614,636, plus strand): 5'-CCTCTTTGTACCTCTCATCAAGCTTTTCTATACCCTGCTGATCATGGGCATCTTTCACAA[C>T]GAGGACTTGAAGCACATCTTGCAGTTGATTGAGCCCAGTGTGTTTAAAGAAGCTGCCACT-3'
Protein context (NP_001026.2, residues 1826-1846): YTLLIMGIFH[Asn1836=]EDLKHILQLI